The following is an entry in ClinVar:

NM_001005373.4(LRSAM1):c.1165A>C (p.Met389Leu)

Gene: LRSAM1 (leucine rich repeat and sterile alpha motif containing 1; plus strand). Cytogenetic location: 9q33.3.
Variant type: single nucleotide variant.
Coding change: c.1165A>C on transcript NM_001005373.4 (MANE Select); coding-DNA position 1165, A replaced by C.
Protein change: p.Met389Leu; replaces methionine 389 with leucine.
Molecular consequence: missense variant. On other transcripts: non-coding transcript variant (2).
Genome position (GRCh38, 1-based): chr9:127,485,741, A>C. VCF-style: chr9-127485741-A-C. GRCh37 (hg19) VCF-style: chr9-130248020-A-C.
Other names: c.1165A>C, p.Met389Leu (NM_001005374.4, NM_001190723.3, NM_001384142.1 and 2 more transcripts); c.376A>C, p.Met126Leu (NM_001384144.1); short protein forms M126L, M389L.
Identifiers: ClinVar variation 2016507 (VCV002016507.5), dbSNP rs141382999, ClinGen allele CA5246884.

ClinVar aggregate classification (germline): Uncertain significance. Review status: criteria provided, multiple submitters, no conflicts (2 of 4 stars). 2 submissions from 2 submitters: Uncertain significance (2). Last evaluated 2025-02-28.

Conditions:
Charcot-Marie-Tooth disease axonal type 2P. Also called: CHARCOT-MARIE-TOOTH NEUROPATHY, TYPE 2P; Charcot-Marie-Tooth Neuropathy Type 2G; CHARCOT-MARIE-TOOTH DISEASE, AXONAL, TYPE 2G; CMT 2G. Identifiers: Orphanet 300319, Orphanet 99941, MedGen C3280797, MONDO:0013753, OMIM 614436.
LRSAM1-related disorder. Also called: LRSAM1-related condition.

Allele frequency attached by ClinVar (database versions not stated): gnomAD exomes below 0.00001; ExAC 0.00001; gnomAD 0.00001; TOPMed 0.00001; ESP Exome Variant Server 0.00008.
gnomAD v4.1: 7 of 1,614,000 alleles (0.00043%); highest among the groups gnomAD compares: Non-Finnish European, 0.00059%; no homozygotes.

Submissions (2):

PreventionGenetics, part of Exact Sciences
Classification: Uncertain significance for LRSAM1-related condition. Last evaluated: 2025-02-28. Review status: criteria provided, single submitter. Criteria: ACMG Guidelines, 2015. Collection method: clinical testing. Allele origin: germline.
Comment: The LRSAM1 c.1165A>C variant is predicted to result in the amino acid substitution p.Met389Leu. To our knowledge, this variant has not been reported in the literature. This variant is reported in 0.0026% of alleles in individuals of European (non-Finnish) descent in gnomAD. At this time, the clinical significance of this variant is uncertain due to the absence of conclusive functional and genetic evidence.

Labcorp Genetics (formerly Invitae), Labcorp
Classification: Uncertain significance for Charcot-Marie-Tooth disease axonal type 2P. Last evaluated: 2024-10-28. Review status: criteria provided, single submitter. Criteria: Invitae Variant Classification Sherloc (09022015). Collection method: clinical testing. Allele origin: germline.
Comment: This sequence change replaces methionine, which is neutral and non-polar, with leucine, which is neutral and non-polar, at codon 389 of the LRSAM1 protein (p.Met389Leu). This variant is present in population databases (rs141382999, gnomAD 0.003%). This variant has not been reported in the literature in individuals affected with LRSAM1-related conditions. ClinVar contains an entry for this variant (Variation ID: 2016507). Invitae Evidence Modeling of protein sequence and biophysical properties (such as structural, functional, and spatial information, amino acid conservation, physicochemical variation, residue mobility, and thermodynamic stability) indicates that this missense variant is expected to disrupt LRSAM1 protein function with a positive predictive value of 80%. In summary, the available evidence is currently insufficient to determine the role of this variant in disease. Therefore, it has been classified as a Variant of Uncertain Significance.